The following is an entry in ClinVar:

NM_001429.4(EP300):c.2773C>A (p.Pro925Thr)

Gene: EP300 (EP300 lysine acetyltransferase; plus strand). Cytogenetic location: 22q13.2.
Variant type: single nucleotide variant.
Coding change: c.2773C>A on transcript NM_001429.4 (MANE Select); coding-DNA position 2773, C replaced by A.
Protein change: p.Pro925Thr; replaces proline 925 with threonine.
Molecular consequence: missense variant.
Genome position (GRCh38, 1-based): chr22:41,150,154, C>A. VCF-style: chr22-41150154-C-A. GRCh37 (hg19) VCF-style: chr22-41546158-C-A.
Other names: c.2695C>A, p.Pro899Thr (NM_001362843.2); short protein forms P925T, P899T.
Identifiers: ClinVar variation 134039 (VCV000134039.47), dbSNP rs148884710, ClinGen allele CA158488.

ClinVar aggregate classification (germline): Benign/Likely benign. Review status: criteria provided, multiple submitters, no conflicts (2 of 4 stars). 10 submissions from 10 submitters: Benign (6); Likely benign (3). 1 of the submissions does not count toward it. Last evaluated 2026-09-01.

Conditions:
Colorectal cancer. Also called: Colorectal cancer, somatic; Malignant Colorectal Neoplasm. Identifiers: MedGen C0346629, MONDO:0005575, OMIM 114500.
Rubinstein-Taybi syndrome due to EP300 haploinsufficiency. Also called: EP300-Related Rubinstein-Taybi Syndrome; RUBINSTEIN-TAYBI SYNDROME 2. Identifiers: Orphanet 353284, Orphanet 783, MedGen C3150941, MONDO:0013364, OMIM 613684.
Menke-Hennekam syndrome 2 (MKHK2). Identifiers: MedGen C5193035, MONDO:0020769, OMIM 618333.
Rubinstein-Taybi syndrome due to CREBBP mutations (RSTS1). Also called: CREBBP-Related Rubinstein-Taybi Syndrome; BROAD THUMBS AND GREAT TOES, CHARACTERISTIC FACIES, AND IMPAIRED INTELLECTUAL DEVELOPMENT; BROAD THUMB-HALLUX SYNDROME; RUBINSTEIN SYNDROME; RUBINSTEIN-TAYBI SYNDROME 1, INCOMPLETE; Rubinstein-Taybi syndrome 1. Identifiers: Orphanet 353277, Orphanet 783, MedGen C4551859, MONDO:0008393, OMIM 180849.

Allele frequency attached by ClinVar (database versions not stated): 1000 Genomes Project 30x 0.00141; 1000 Genomes Project 0.00160; gnomAD exomes 0.00388; gnomAD 0.00398 and 0.00410; ExAC 0.00401; TOPMed 0.00440; ESP Exome Variant Server 0.00500.
gnomAD v4.1: 9,766 of 1,611,746 alleles (0.61%); highest among the groups gnomAD compares: Non-Finnish European, 0.74%; 41 homozygotes.

Submissions (10):

CeGaT Center for Human Genetics Tuebingen
Classification: Benign. Last evaluated: 2026-09-01. Review status: criteria provided, single submitter. Criteria: CeGaT Center For Human Genetics Tuebingen Variant Classification Criteria Version 2. Collection method: clinical testing. Allele origin: germline. Affected: yes. Observed: 30 variant alleles.
Comment: EP300: BS1, BS2

Labcorp Genetics (formerly Invitae), Labcorp
Classification: Benign for Rubinstein-Taybi syndrome due to EP300 haploinsufficiency. Last evaluated: 2026-02-01. Review status: criteria provided, single submitter. Criteria: Invitae Variant Classification Sherloc (09022015). Collection method: clinical testing. Allele origin: germline.

Fulgent Genetics
Classification: Likely benign for Colorectal cancer; Rubinstein-Taybi syndrome due to CREBBP mutations; Rubinstein-Taybi syndrome due to EP300 haploinsufficiency; Menke-Hennekam syndrome 2. Last evaluated: 2021-09-01. Review status: criteria provided, single submitter. Criteria: ACMG Guidelines, 2015. Collection method: clinical testing. Allele origin: unknown.

Mendelics
Classification: Likely benign for Rubinstein-Taybi syndrome due to CREBBP mutations. Last evaluated: 2019-05-28. Review status: criteria provided, single submitter. Criteria: Mendelics Assertion Criteria 2017. Collection method: clinical testing. Allele origin: unknown.

GeneDx
Classification: Benign. Last evaluated: 2018-11-14. Review status: criteria provided, single submitter. Criteria: GeneDx Variant Classification Process June 2021. Collection method: clinical testing. Allele origin: germline. Affected: yes.

Genetic Services Laboratory, University of Chicago
Classification: Benign. Last evaluated: 2018-09-26. Review status: criteria provided, single submitter. Criteria: ACMG Guidelines, 2015. Collection method: clinical testing. Allele origin: germline. Affected: no.

Center for Pediatric Genomic Medicine, Children's Mercy Hospital and Clinics
Classification: Benign. Last evaluated: 2017-01-26. Review status: criteria provided, single submitter. Criteria: ACMG Guidelines, 2015. Collection method: clinical testing. Allele origin: germline.

Eurofins Ntd Llc (ga)
Classification: Benign. Last evaluated: 2015-04-22. Review status: criteria provided, single submitter. Criteria: EGL Classification Definitions 2015. Collection method: clinical testing. Allele origin: germline. Observed: 1 variant allele, 1 heterozygote.

Breakthrough Genomics
Classification: Likely benign. Review status: criteria provided, single submitter. Criteria: ACMG Guidelines, 2015. Collection method: not provided. Allele origin: germline. Inheritance: Autosomal dominant inheritance. Affected: yes.

ITMI
No classification provided. Condition: AllHighlyPenetrant. Last evaluated: 2013-09-19. Review status: no classification provided. Collection method: reference population. Allele origin: germline. Not counted in ClinVar's aggregate classification.
Comment: Please see associated publication for description of ethnicities

Literature cited by the submitters: PubMed 24728327 (cited by ITMI).